The following is an entry in ClinVar:

NM_001385875.1(ZFYVE27):c.1052C>T (p.Thr351Met)

Gene: ZFYVE27 (zinc finger FYVE-type containing 27; plus strand). Cytogenetic location: 10q24.2.
Variant type: single nucleotide variant.
Coding change: c.1052C>T on transcript NM_001385875.1 (MANE Select); coding-DNA position 1052, C replaced by T.
Protein change: p.Thr351Met; replaces threonine 351 with methionine.
Molecular consequence: missense variant. On other transcripts: non-coding transcript variant (16).
Genome position (GRCh38, 1-based): chr10:97,757,274, C>T. VCF-style: chr10-97757274-C-T. GRCh37 (hg19) VCF-style: chr10-99517031-C-T.
Other names: c.1067C>T, p.Thr356Met (NM_001002261.4, NM_001385871.1); c.1031C>T, p.Thr344Met (NM_001002262.4, NM_001385880.1, NM_001385881.1 and 2 more transcripts); c.935C>T, p.Thr312Met (NM_001174119.2, NM_001385889.1); c.773C>T, p.Thr258Met (NM_001174120.2); c.752C>T, p.Thr251Met (NM_001174121.2, NM_001385915.1); c.677C>T, p.Thr226Met (NM_001174122.2); c.1085C>T, p.Thr362Met (NM_001385876.1); c.1049C>T, p.Thr350Met (NM_001385877.1); and 14 more; short protein forms T251M, T258M, T312M, T226M, T344M, T351M, T356M, T133M.
Identifiers: ClinVar variation 880088 (VCV000880088.9), dbSNP rs368842487, ClinGen allele CA5635432.

ClinVar aggregate classification (germline): Uncertain significance. Review status: criteria provided, multiple submitters, no conflicts (2 of 4 stars). 3 submissions from 3 submitters: Uncertain significance (3). Last evaluated 2025-06-08.

Conditions:
Spastic paraplegia. Identifiers: MedGen C0037772, HP:0001258.
Hereditary spastic paraplegia 33. Also called: SPASTIC PARAPLEGIA 33, AUTOSOMAL DOMINANT. Identifiers: MedGen C1853251, MONDO:0012448, OMIM 610244.

Allele frequency attached by ClinVar (database versions not stated): gnomAD exomes 0.00002; ExAC 0.00003; gnomAD 0.00003; TOPMed 0.00003; ESP Exome Variant Server 0.00008.

Submissions (3):

Ambry Genetics
Classification: Uncertain significance. Last evaluated: 2025-06-08. Review status: criteria provided, single submitter. Criteria: Ambry Variant Classification Scheme 2023. Collection method: clinical testing. Allele origin: germline.

Labcorp Genetics (formerly Invitae), Labcorp
Classification: Uncertain significance for Spastic paraplegia. Last evaluated: 2024-09-20. Review status: criteria provided, single submitter. Criteria: Invitae Variant Classification Sherloc (09022015). Collection method: clinical testing. Allele origin: germline.
Comment: This sequence change replaces threonine, which is neutral and polar, with methionine, which is neutral and non-polar, at codon 356 of the ZFYVE27 protein (p.Thr356Met). This variant is present in population databases (rs368842487, gnomAD 0.006%). This variant has not been reported in the literature in individuals affected with ZFYVE27-related conditions. ClinVar contains an entry for this variant (Variation ID: 880088). An algorithm developed to predict the effect of missense changes on protein structure and function (PolyPhen-2) suggests that this variant is likely to be disruptive. In summary, the available evidence is currently insufficient to determine the role of this variant in disease. Therefore, it has been classified as a Variant of Uncertain Significance.

Illumina Laboratory Services, Illumina
Classification: Uncertain significance for Hereditary spastic paraplegia 33. Last evaluated: 2018-01-13. Review status: criteria provided, single submitter. Criteria: ICSL Variant Classification Criteria 13 December 2019. Collection method: clinical testing. Allele origin: germline.